The following is an entry in ClinVar:

NM_001276700.2(NLRP6):c.2198+35C>T

Gene: NLRP6 (NLR family pyrin domain containing 6; plus strand). Cytogenetic location: 11p15.5.
Variant type: single nucleotide variant.
Coding change: c.2198+35C>T on transcript NM_001276700.2 (MANE Select); 35 bases into the intron after coding-DNA position 2198, C replaced by T.
Molecular consequence: intron variant.
Genome position (GRCh38, 1-based): chr11:282,832, C>T. VCF-style: chr11-282832-C-T. GRCh37 (hg19) VCF-style: chr11-282832-C-T.
Other names: c.2201+35C>T (NM_138329.2).
Identifiers: ClinVar variation 103239 (VCV000103239.2), dbSNP rs199475814, ClinGen allele CA230303.

ClinVar aggregate classification (germline): not provided (0 of 4 stars; one submission).

Allele frequency attached by ClinVar (database versions not stated): gnomAD exomes 0.00029 and 0.00060; ExAC 0.00072; ESP Exome Variant Server 0.00092; gnomAD 0.00096; TOPMed 0.00119; 1000 Genomes Project 30x 0.00156; 1000 Genomes Project 0.00180.
gnomAD v4.1: 539 of 1,481,144 alleles (0.036%); highest among the groups gnomAD compares: African/African-American, 0.3%; 1 homozygote.

Submission:

Human Evolutionary Genetics, Institut Pasteur
No classification provided. Review status: no classification provided. Collection method: not provided. Allele origin: germline.
ClinVar note: Converted during submission from untested to not provided.